The following is an entry in ClinVar:

ClinVar aggregate classification (germline): Likely benign (0 of 4 stars; one submission).

Conditions:
NBEAL2-related disorder. Also called: NBEAL2-related condition.

Allele frequency attached by ClinVar (database versions not stated): gnomAD exomes below 0.00001.
gnomAD v4.1: 1 of 1,555,586 alleles (0.000064%); highest among the groups gnomAD compares: South Asian, 0.0012%; no homozygotes.

Submission:

PreventionGenetics, part of Exact Sciences
Classification: Likely benign for NBEAL2-related condition. Last evaluated: 2020-12-15. Review status: no assertion criteria provided. Collection method: clinical testing. Allele origin: germline.
Comment: This variant is classified as likely benign based on ACMG/AMP sequence variant interpretation guidelines (Richards et al. 2015 PMID: 25741868, with internal and published modifications).

NM_015175.3(NBEAL2):c.1495T>C (p.Leu499=)

Gene: NBEAL2 (neurobeachin like 2; plus strand). Cytogenetic location: 3p21.31.
Variant type: single nucleotide variant.
Coding change: c.1495T>C on transcript NM_015175.3 (MANE Select); coding-DNA position 1495, T replaced by C.
Protein change: p.Leu499=; no amino-acid change (leucine 499 retained).
Molecular consequence: synonymous variant.
Genome position (GRCh38, 1-based): chr3:46,995,230, T>C. VCF-style: chr3-46995230-T-C. GRCh37 (hg19) VCF-style: chr3-47036720-T-C.
Other names: c.1393T>C, p.Leu465= (NM_001365116.2).
Identifiers: ClinVar variation 3030033 (VCV003030033.2), dbSNP rs2545224676, ClinGen allele CA433597314.